The following is an entry in ClinVar:

NM_012472.6(DNAAF11):c.1118A>G (p.His373Arg)

Gene: DNAAF11 (dynein axonemal assembly factor 11; minus strand). Cytogenetic location: 8q24.22.
Variant type: single nucleotide variant.
Coding change: c.1118A>G on transcript NM_012472.6 (MANE Select); coding-DNA position 1118, A replaced by G.
Protein change: p.His373Arg; replaces histidine 373 with arginine.
Molecular consequence: missense variant. On other transcripts: non-coding transcript variant (10).
Genome position (GRCh38, 1-based): chr8:132,610,188, T>C on the plus strand (A>G on the coding strand, the complement: DNAAF11 is on the minus strand). VCF-style: chr8-132610188-T-C. GRCh37 (hg19) VCF-style: chr8-133622434-T-C.
Other names: c.1058A>G, p.His353Arg (NM_001321961.2); c.872A>G, p.His291Arg (NM_001321962.2); c.758A>G, p.His253Arg (NM_001321963.2, NM_001321964.2, NM_001321965.2); c.698A>G, p.His233Arg (NM_001321966.2); short protein forms H233R, H253R, H291R, H353R, H373R.
Identifiers: ClinVar variation 1681028 (VCV001681028.8), dbSNP rs759547176, ClinGen allele CA4881164.

ClinVar aggregate classification (germline): Uncertain significance (1 of 4 stars; one submission).

Conditions:
Primary ciliary dyskinesia 19. Also called: CILIARY DYSKINESIA, PRIMARY, 19, WITH OR WITHOUT SITUS INVERSUS. Identifiers: Orphanet 244, MedGen C3543826, MONDO:0013979, OMIM 614935.

Allele frequency attached by ClinVar (database versions not stated): gnomAD exomes below 0.00001 and 0.00001; ExAC 0.00001; gnomAD 0.00002; TOPMed 0.00004.
gnomAD v4.1: 12 of 1,613,874 alleles (0.00074%); highest among the groups gnomAD compares: African/African-American, 0.0053%; no homozygotes.

Submission:

Labcorp Genetics (formerly Invitae), Labcorp
Classification: Uncertain significance for Primary ciliary dyskinesia 19. Last evaluated: 2021-03-24. Review status: criteria provided, single submitter. Criteria: Invitae Variant Classification Sherloc (09022015). Collection method: clinical testing. Allele origin: germline.
Comment: This sequence change replaces histidine with arginine at codon 373 of the LRRC6 protein (p.His373Arg). The histidine residue is highly conserved and there is a small physicochemical difference between histidine and arginine. This variant is present in population databases (rs759547176, ExAC 0.002%). This variant has not been reported in the literature in individuals with LRRC6-related conditions. Algorithms developed to predict the effect of missense changes on protein structure and function (SIFT, PolyPhen-2, Align-GVGD) all suggest that this variant is likely to be tolerated, but these predictions have not been confirmed by published functional studies and their clinical significance is uncertain. In summary, the available evidence is currently insufficient to determine the role of this variant in disease. Therefore, it has been classified as a Variant of Uncertain Significance.